The following is an entry in ClinVar:

ClinVar aggregate classification (germline): Uncertain significance. Review status: criteria provided, multiple submitters, no conflicts (2 of 4 stars). 2 submissions from 2 submitters: Uncertain significance (2). Last evaluated 2025-05-07.

Conditions:
Hereditary pancreatitis (PCTT). Also called: Hereditary chronic pancreatitis; PRSS1-Related Hereditary Pancreatitis. Identifiers: Orphanet 676, MedGen C0238339, MONDO:0008185, OMIM 167800.

Allele frequency attached by ClinVar (database versions not stated): gnomAD exomes below 0.00001 and 0.00001; ExAC 0.00001.
gnomAD v4.1: 20 of 1,614,116 alleles (0.0012%); highest among the groups gnomAD compares: Middle Eastern, 0.017%; no homozygotes.

Submissions (2):

Labcorp Genetics (formerly Invitae), Labcorp
Classification: Uncertain significance for Hereditary pancreatitis. Last evaluated: 2025-05-07. Review status: criteria provided, single submitter. Criteria: Invitae Variant Classification Sherloc (09022015). Collection method: clinical testing. Allele origin: germline.
Comment: This sequence change replaces leucine, which is neutral and non-polar, with proline, which is neutral and non-polar, at codon 72 of the SPINK1 protein (p.Leu72Pro). This variant is present in population databases (rs749558779, gnomAD 0.0009%). This variant has not been reported in the literature in individuals affected with SPINK1-related conditions. ClinVar contains an entry for this variant (Variation ID: 947522). An algorithm developed to predict the effect of missense changes on protein structure and function (PolyPhen-2) suggests that this variant is likely to be disruptive. In summary, the available evidence is currently insufficient to determine the role of this variant in disease. Therefore, it has been classified as a Variant of Uncertain Significance.

Ambry Genetics
Classification: Uncertain significance for Hereditary pancreatitis. Last evaluated: 2024-01-11. Review status: criteria provided, single submitter. Criteria: Ambry Variant Classification Scheme 2023. Collection method: clinical testing. Allele origin: germline.
Comment: The p.L72P variant (also known as c.215T>C), located in coding exon 4 of the SPINK1 gene, results from a T to C substitution at nucleotide position 215. The leucine at codon 72 is replaced by proline, an amino acid with similar properties. This amino acid position is conserved. In addition, this alteration is predicted to be tolerated by in silico analysis. Since supporting evidence is limited at this time, the clinical significance of this alteration remains unclear.

NM_001379610.1(SPINK1):c.215T>C (p.Leu72Pro)

Gene: SPINK1 (serine peptidase inhibitor Kazal type 1; minus strand). Cytogenetic location: 5q32.
Variant type: single nucleotide variant.
Coding change: c.215T>C on transcript NM_001379610.1 (MANE Select); coding-DNA position 215, T replaced by C.
Protein change: p.Leu72Pro; replaces leucine 72 with proline.
Molecular consequence: missense variant.
Genome position (GRCh38, 1-based): chr5:147,824,686, A>G on the plus strand (T>C on the coding strand, the complement: SPINK1 is on the minus strand). VCF-style: chr5-147824686-A-G. GRCh37 (hg19) VCF-style: chr5-147204249-A-G.
Other names: c.215T>C, p.Leu72Pro (NM_001354966.2, NM_003122.5); short protein forms L72P.
Identifiers: ClinVar variation 947522 (VCV000947522.11), dbSNP rs749558779, ClinGen allele CA3494749.